The following is an entry in ClinVar:

NM_181523.3(PIK3R1):c.719T>C (p.Leu240Pro)

Gene: PIK3R1 (phosphoinositide-3-kinase regulatory subunit 1; plus strand). Cytogenetic location: 5q13.1.
Variant type: single nucleotide variant.
Coding change: c.719T>C on transcript NM_181523.3 (MANE Select); coding-DNA position 719, T replaced by C.
Protein change: p.Leu240Pro; replaces leucine 240 with proline.
Molecular consequence: missense variant.
Genome position (GRCh38, 1-based): chr5:68,280,612, T>C. VCF-style: chr5-68280612-T-C. GRCh37 (hg19) VCF-style: chr5-67576440-T-C.
Other names: short protein forms L240P.
Identifiers: ClinVar variation 3369935 (VCV003369935.1).

ClinVar aggregate classification (germline): Uncertain significance (1 of 4 stars; one submission).

gnomAD v4.1: 1 of 1,613,682 alleles (0.000062%); highest among the groups gnomAD compares: Non-Finnish European, 0.000085%; no homozygotes.

Submission:

GeneDx
Classification: Uncertain significance. Last evaluated: 2024-04-18. Review status: criteria provided, single submitter. Criteria: GeneDx Variant Classification Process June 2021. Collection method: clinical testing. Allele origin: germline. Affected: yes.
Comment: Not observed at significant frequency in large population cohorts (gnomAD); In silico analysis supports that this missense variant has a deleterious effect on protein structure/function; Has not been previously published as pathogenic or benign to our knowledge